The following is an entry in ClinVar:

ClinVar aggregate classification (germline): Uncertain significance (1 of 4 stars; one submission).

Conditions:
Primary ciliary dyskinesia. Also called: Ciliary dyskinesia. Identifiers: Orphanet 244, MedGen C0008780, MONDO:0016575, HP:0012265.

Submission:

Labcorp Genetics (formerly Invitae), Labcorp
Classification: Uncertain significance for Primary ciliary dyskinesia. Last evaluated: 2022-08-09. Review status: criteria provided, single submitter. Criteria: Invitae Variant Classification Sherloc (09022015). Collection method: clinical testing. Allele origin: germline.
Comment: In summary, the available evidence is currently insufficient to determine the role of this variant in disease. Therefore, it has been classified as a Variant of Uncertain Significance. This sequence change replaces glutamine, which is neutral and polar, with proline, which is neutral and non-polar, at codon 649 of the DRC1 protein (p.Gln649Pro). This variant is not present in population databases (gnomAD no frequency). This variant has not been reported in the literature in individuals affected with DRC1-related conditions. Algorithms developed to predict the effect of missense changes on protein structure and function output the following: SIFT: "Tolerated"; PolyPhen-2: "Benign"; Align-GVGD: "Class C0". The proline amino acid residue is found in multiple mammalian species, which suggests that this missense change does not adversely affect protein function.

NM_145038.5(DRC1):c.1946A>C (p.Gln649Pro)

Gene: DRC1 (dynein regulatory complex subunit 1; plus strand). Cytogenetic location: 2p23.3.
Variant type: single nucleotide variant.
Coding change: c.1946A>C on transcript NM_145038.5 (MANE Select); coding-DNA position 1946, A replaced by C.
Protein change: p.Gln649Pro; replaces glutamine 649 with proline.
Molecular consequence: missense variant.
Genome position (GRCh38, 1-based): chr2:26,454,673, A>C. VCF-style: chr2-26454673-A-C. GRCh37 (hg19) VCF-style: chr2-26677541-A-C.
Other names: short protein forms Q649P.
Identifiers: ClinVar variation 2086937 (VCV002086937.4), dbSNP rs1465586403, ClinGen allele CA346121681.